The following is an entry in ClinVar:

ClinVar aggregate classification (germline): Uncertain significance (1 of 4 stars; one submission).

Conditions:
Lipoic acid synthetase deficiency. Also called: HYPERGLYCINEMIA, LACTIC ACIDOSIS, AND SEIZURES. Identifiers: Orphanet 401859, MedGen C3280887, MONDO:0013762, OMIM 614462.

Allele frequency attached by ClinVar (database versions not stated): gnomAD exomes below 0.00001.

Submission:

Labcorp Genetics (formerly Invitae), Labcorp
Classification: Uncertain significance for Lipoic acid synthetase deficiency. Last evaluated: 2024-10-28. Review status: criteria provided, single submitter. Criteria: Invitae Variant Classification Sherloc (09022015). Collection method: clinical testing. Allele origin: germline.
Comment: This sequence change replaces glycine, which is neutral and non-polar, with aspartic acid, which is acidic and polar, at codon 140 of the LIAS protein (p.Gly140Asp). This variant is not present in population databases (gnomAD no frequency). This variant has not been reported in the literature in individuals affected with LIAS-related conditions. ClinVar contains an entry for this variant (Variation ID: 1475858). Invitae Evidence Modeling of protein sequence and biophysical properties (such as structural, functional, and spatial information, amino acid conservation, physicochemical variation, residue mobility, and thermodynamic stability) indicates that this missense variant is expected to disrupt LIAS protein function with a positive predictive value of 80%. In summary, the available evidence is currently insufficient to determine the role of this variant in disease. Therefore, it has been classified as a Variant of Uncertain Significance.

NM_006859.4(LIAS):c.419G>A (p.Gly140Asp)

Gene: LIAS (lipoic acid synthetase; plus strand). Cytogenetic location: 4p14.
Variant type: single nucleotide variant.
Coding change: c.419G>A on transcript NM_006859.4 (MANE Select); coding-DNA position 419, G replaced by A.
Protein change: p.Gly140Asp; replaces glycine 140 with aspartic acid.
Molecular consequence: missense variant. On other transcripts: intron variant (1).
Genome position (GRCh38, 1-based): chr4:39,465,071, G>A. VCF-style: chr4-39465071-G-A. GRCh37 (hg19) VCF-style: chr4-39466691-G-A.
Other names: c.419G>A, p.Gly140Asp (NM_001278590.2, NM_194451.3); c.299+1466G>A (NM_001363700.2); short protein forms G140D.
Identifiers: ClinVar variation 1475858 (VCV001475858.8), dbSNP rs1578236671, ClinGen allele CA356664390.